The following is an entry in ClinVar:

ClinVar aggregate classification (germline): Pathogenic (1 of 4 stars; one submission).

Conditions:
Hereditary hemorrhagic telangiectasia (HHT). Also called: ORW DISEASE; Osler Weber Rendu syndrome; OSLER-RENDU-WEBER DISEASE; Osler hemorrhagic telangiectasia syndrome. Identifiers: Orphanet 774, MedGen C0039445, MONDO:0019180. Disease mechanism: loss of function.

Submission:

Labcorp Genetics (formerly Invitae), Labcorp
Classification: Pathogenic for Hereditary hemorrhagic telangiectasia. Last evaluated: 2023-03-01. Review status: criteria provided, single submitter. Criteria: Invitae Variant Classification Sherloc (09022015). Collection method: clinical testing. Allele origin: unknown.
Comment: For these reasons, this variant has been classified as Pathogenic. A similar copy number variant has been observed in individuals with personal and family history of epistaxis and telangiectasia and/or arteriovenous malformations (PMID: 20414677). This variant is a gross deletion of the genomic region encompassing exon(s) 2 of the ENG gene. This deletion is out-of-frame, and is expected to create a premature termination codon and result in an absent or disrupted protein product. Loss-of-function variants in ENG are known to be pathogenic (PMID: 15879500).

Literature cited by the submitters: PubMed 20414677; PubMed 15879500.

NC_000009.11:g.(?_130605353)_(130605544_?)del

Gene: ENG (endoglin; minus strand). Cytogenetic location: 9q34.11.
Variant type: Deletion.
Identifiers: ClinVar variation 3245077 (VCV003245077.1).